The following is an entry in ClinVar:

ClinVar aggregate classification (germline): Likely benign (1 of 4 stars; one submission).

Allele frequency attached by ClinVar (database versions not stated): gnomAD 0.00002; TOPMed 0.00003.

Submission:

CeGaT Center for Human Genetics Tuebingen
Classification: Likely benign. Last evaluated: 2024-02-01. Review status: criteria provided, single submitter. Criteria: CeGaT Center For Human Genetics Tuebingen Variant Classification Criteria Version 2. Collection method: clinical testing. Allele origin: germline. Affected: yes. Observed: 1 variant allele.
Comment: TRIO: BP4, BP7

NM_007118.4(TRIO):c.8925G>A (p.Thr2975=)

Gene: TRIO (trio Rho guanine nucleotide exchange factor; plus strand). Cytogenetic location: 5p15.2.
Variant type: single nucleotide variant.
Coding change: c.8925G>A on transcript NM_007118.4 (MANE Select); coding-DNA position 8925, G replaced by A.
Protein change: p.Thr2975=; no amino-acid change (threonine 2975 retained).
Molecular consequence: synonymous variant. On other transcripts: non-coding transcript variant (1).
Genome position (GRCh38, 1-based): chr5:14,508,053, G>A. VCF-style: chr5-14508053-G-A. GRCh37 (hg19) VCF-style: chr5-14508162-G-A.
Identifiers: ClinVar variation 3025638 (VCV003025638.22), dbSNP rs765365683, ClinGen allele CA443538075.
Genomic context (GRCh38, chr5:14,508,053, plus strand): 5'-CCCTGAATTCGCAGCCCCTGAAATCATCCTCGGGAACCCTGTCTCCCTGACCTCGGATAC[G>A]TGGAGTGTTGGAGTGCTCACATACGTACTTCTTAGTGGCGTGTCCCCCTTCCTGGATGAC-3'
Protein context (NP_009049.2, residues 2965-2985): LGNPVSLTSD[Thr2975=]WSVGVLTYVL